The following is an entry in ClinVar:

NM_001080449.3(DNA2):c.2456C>T (p.Ala819Val)

Gene: DNA2 (DNA replication helicase/nuclease 2; minus strand). Cytogenetic location: 10q21.3.
Variant type: single nucleotide variant.
Coding change: c.2456C>T on transcript NM_001080449.3 (MANE Select); coding-DNA position 2456, C replaced by T.
Protein change: p.Ala819Val; replaces alanine 819 with valine.
Molecular consequence: missense variant. On other transcripts: non-coding transcript variant (1).
Genome position (GRCh38, 1-based): chr10:68,422,551, G>A on the plus strand (C>T on the coding strand, the complement: DNA2 is on the minus strand). VCF-style: chr10-68422551-G-A. GRCh37 (hg19) VCF-style: chr10-70182308-G-A.
Other names: short protein forms A819V.
Identifiers: ClinVar variation 2274780 (VCV002274780.5), dbSNP rs1318029208, ClinGen allele CA376847232.

ClinVar aggregate classification (germline): Uncertain significance. Review status: criteria provided, multiple submitters, no conflicts (2 of 4 stars). 2 submissions from 2 submitters: Uncertain significance (2). Last evaluated 2023-04-12.

Conditions:
Inborn genetic diseases. Identifiers: MedGen C0950123, MeSH D030342.

Allele frequency attached by ClinVar (database versions not stated): TOPMed below 0.00001.

Submissions (2):

Labcorp Genetics (formerly Invitae), Labcorp
Classification: Uncertain significance. Last evaluated: 2023-04-12. Review status: criteria provided, single submitter. Criteria: Invitae Variant Classification Sherloc (09022015). Collection method: clinical testing. Allele origin: germline.
Comment: In summary, the available evidence is currently insufficient to determine the role of this variant in disease. Therefore, it has been classified as a Variant of Uncertain Significance. Advanced modeling of protein sequence and biophysical properties (such as structural, functional, and spatial information, amino acid conservation, physicochemical variation, residue mobility, and thermodynamic stability) performed at Invitae indicates that this missense variant is expected to disrupt DNA2 protein function. ClinVar contains an entry for this variant (Variation ID: 2274780). This variant has not been reported in the literature in individuals affected with DNA2-related conditions. This variant is not present in population databases (gnomAD no frequency). This sequence change replaces alanine, which is neutral and non-polar, with valine, which is neutral and non-polar, at codon 819 of the DNA2 protein (p.Ala819Val).

Ambry Genetics
Classification: Uncertain significance for Inborn genetic diseases. Last evaluated: 2022-01-31. Review status: criteria provided, single submitter. Criteria: Ambry Variant Classification Scheme 2023. Collection method: clinical testing. Allele origin: germline.